The following is an entry in ClinVar:

ClinVar aggregate classification (germline): Conflicting classifications of pathogenicity. Review status: criteria provided, conflicting classifications (1 of 4 stars). 2 submissions from 2 submitters: Uncertain significance (1); Likely benign (1). Last evaluated 2025-12-03.

Allele frequency attached by ClinVar (database versions not stated): gnomAD 0.00001 and 0.00007; TOPMed 0.00002; gnomAD exomes 0.00018 and 0.00036; 1000 Genomes Project 0.00020; 1000 Genomes Project 30x 0.00031; ExAC 0.00040.
gnomAD v4.1: 279 of 1,613,840 alleles (0.017%); highest among the groups gnomAD compares: South Asian, 0.23%; 1 homozygote.

Submissions (2):

Labcorp Genetics (formerly Invitae), Labcorp
Classification: Likely benign. Last evaluated: 2025-12-03. Review status: criteria provided, single submitter. Criteria: Invitae Variant Classification Sherloc (09022015). Collection method: clinical testing. Allele origin: germline.

GeneDx
Classification: Uncertain significance. Last evaluated: 2023-08-25. Review status: criteria provided, single submitter. Criteria: GeneDx Variant Classification Process June 2021. Collection method: clinical testing. Allele origin: germline. Affected: yes.
Comment: In silico analysis supports that this missense variant does not alter protein structure/function; Has not been previously published as pathogenic or benign to our knowledge

NM_003193.5(TBCE):c.133G>A (p.Glu45Lys)

Gene: TBCE (tubulin folding cofactor E; plus strand). Cytogenetic location: 1q42.3.
Variant type: single nucleotide variant.
Coding change: c.133G>A on transcript NM_003193.5 (MANE Select); coding-DNA position 133, G replaced by A.
Protein change: p.Glu45Lys; replaces glutamic acid 45 with lysine.
Molecular consequence: missense variant. On other transcripts: intron variant (1).
Genome position (GRCh38, 1-based): chr1:235,401,535, G>A. VCF-style: chr1-235401535-G-A. GRCh37 (hg19) VCF-style: chr1-235564850-G-A.
Other names: c.133G>A, p.Glu45Lys (NM_001079515.3, NM_001287801.2); c.-210-12898G>A (NM_001287802.2); c.133G>A (NM_003193.4); short protein forms E45K.
Identifiers: ClinVar variation 1568395 (VCV001568395.8), dbSNP rs199888401, ClinGen allele CA1463936.